The following is an entry in ClinVar:

NM_001369.3(DNAH5):c.2766del (p.Phe922fs)

Genes: DNAH5 (dynein axonemal heavy chain 5; minus strand), DNAH5-AS1 (DNAH5 antisense RNA 1; plus strand). Cytogenetic location: 5p15.2.
Variant type: Deletion.
Coding change: c.2766del on transcript NM_001369.3 (MANE Select); coding-DNA position 2766, one base deleted (T; older notation c.2766delT).
Protein change: p.Phe922fs; shifts the reading frame from phenylalanine 922.
Molecular consequence: frameshift variant.
Genome position (GRCh38, 1-based): chr5:13,885,206, A deleted on the plus strand (T on the coding strand, the reverse complement: DNAH5 is on the minus strand); the first of 4 consecutive A bases (chr5:13,885,206-13,885,209); deleting any one gives the same sequence. VCF-style (leftmost placement, unchanged base first): chr5-13885205-CA-C. GRCh37 (hg19) VCF-style: chr5-13885314-CA-C.
Other names: short protein forms F922fs.
Identifiers: ClinVar variation 1725704 (VCV001725704.2), dbSNP rs2547038612, ClinGen allele CA2580072158.
Genomic context (GRCh38, chr5:13,885,205, plus strand): 5'-TCGTGACTGTCGTCAAAAGCAGGGCATTGGCCCTGGCATTAATAGATGATGTCAAGGTGT[CA>C]AAATTTCCTTCTTCTCTTTTTGCTGTTACAAGATGAAAGAGATAGAGATAGAGATAAGTT-3'

ClinVar aggregate classification (germline): Likely pathogenic (1 of 4 stars; one submission).

Conditions:
Primary ciliary dyskinesia 3. Identifiers: Orphanet 244, MedGen C1837618, MONDO:0012085, OMIM 608644.

Submission:

Myriad Genetics, Inc.
Classification: Likely pathogenic for Primary ciliary dyskinesia 3. Last evaluated: 2022-03-31. Review status: criteria provided, single submitter. Criteria: Myriad Women's Health Autosomal Recessive and X-Linked Classification Criteria (2021). Collection method: clinical testing. Allele origin: unknown.
Comment: NM_001369.2(DNAH5):c.2766delT(F922Lfs*4) is expected to be pathogenic in the context of DNAH5-related primary ciliary dyskinesia. This variant is predicted to lead to an abnormal or absent protein product due to the creation of a premature termination codon in DNAH5, a gene where loss-of-function variants are known to be pathogenic. Please note: this variant was assessed in the context of healthy population screening.